The following is an entry in ClinVar:

NM_001322934.2(NFKB2):c.2427_2430del (p.Thr810fs)

Gene: NFKB2 (nuclear factor kappa B subunit 2; plus strand). Cytogenetic location: 10q24.32.
Variant type: Microsatellite.
Coding change: c.2427_2430del on transcript NM_001322934.2 (MANE Select); coding-DNA positions 2427 to 2430, 4 bases deleted (GACA; older notation c.2427_2430delGACA).
Protein change: p.Thr810fs; shifts the reading frame from threonine 810.
Molecular consequence: frameshift variant.
Genome position (GRCh38, 1-based): chr10:102,401,878-102,401,881, GACA deleted; deleting any 4 consecutive bases within chr10:102,401,874-102,401,881 gives the same sequence; the c. name uses the placement nearest the transcript's 3' end. VCF-style (leftmost placement, unchanged base first): chr10-102401873-CGACA-C. GRCh37 (hg19) VCF-style: chr10-104161630-CGACA-C.
Other names: c.2301_2304del, p.Thr768fs (NM_001322935.1); c.2427_2430del, p.Thr810fs (NM_002502.6, NM_001077494.3, NM_001261403.3 and 1 more transcripts); short protein forms T768fs, T810fs.
Identifiers: ClinVar variation 4850214 (VCV004850214.1).

ClinVar aggregate classification (germline): Likely pathogenic (1 of 4 stars; one submission).

Conditions:
Immunodeficiency, common variable, 10. Also called: IMMUNODEFICIENCY, COMMON VARIABLE, WITH CENTRAL ADRENAL INSUFFICIENCY; DEFICIT IN ANTERIOR PITUITARY FUNCTION AND VARIABLE IMMUNODEFICIENCY. Identifiers: MedGen C3809991, MONDO:0014260, OMIM 615577.

Submission:

Variantyx, Inc.
Classification: Likely pathogenic for Immunodeficiency, common variable, 10. Last evaluated: 2025-07-17. Review status: criteria provided, single submitter. Criteria: Variantyx Assertion Criteria 2022. Collection method: clinical testing. Allele origin: germline. Inheritance: Autosomal dominant inheritance. Affected: yes.
Comment: This is a frameshift variant in the NFKB2 gene (OMIM: 164012). Pathogenic variants in this gene have been associated with autosomal dominant Common variable immunodeficiency-10. This variant introduces a premature termination codon in exon 21 out of 23 and is expected to result in loss of function, which is a known disease mechanism for NFKB2 in this disorder (PMID: 24140114, 24888602) (PVS1). This variant is absent from control populations (PM2). Based on the current evidence, this variant is classified as likely pathogenic for autosomal dominant Common variable immunodeficiency-10.

Literature cited by the submitters: PubMed 24140114; PubMed 24888602.